The following is an entry in ClinVar:

ClinVar aggregate classification (germline): Likely benign (1 of 4 stars; one submission).

Conditions:
Fanconi anemia complementation group C (FANCC). Also called: FANCONI PANCYTOPENIA, TYPE 3; FACC; FANCC-Related Fanconi Anemia; Fanconi anemia, group C. Identifiers: Orphanet 84, MedGen C3468041, MONDO:0009213, OMIM 227645.

Allele frequency attached by ClinVar (database versions not stated): 1000 Genomes Project 30x 0.00031; 1000 Genomes Project 0.00040; gnomAD 0.00044 and 0.00046; TOPMed 0.00053; gnomAD exomes 0.00054.
gnomAD v4.1: 317 of 620,214 alleles (0.051%); highest among the groups gnomAD compares: Admixed American, 0.11%; no homozygotes.

Submission:

Illumina Laboratory Services, Illumina
Classification: Likely benign for Fanconi anemia complementation group C. Last evaluated: 2018-01-13. Review status: criteria provided, single submitter. Criteria: ICSL Variant Classification Criteria 13 December 2019. Collection method: clinical testing. Allele origin: germline.
Comment: This variant was observed in the ICSL laboratory as part of a predisposition screen in an ostensibly healthy population. It had not been previously curated by ICSL or reported in the Human Gene Mutation Database (HGMD: prior to June 1st, 2018), and was therefore a candidate for classification through an automated scoring system. Utilizing variant allele frequency, disease prevalence and penetrance estimates, and inheritance mode, an automated score was calculated to assess if this variant is too frequent to cause the disease. Based on the score and internal cut-off values, a variant classified as likely benign is not then subjected to further curation. The score for this variant resulted in a classification of likely benign for this disease.

NM_000136.3(FANCC):c.*213T>G

Genes: AOPEP (aminopeptidase O (putative); plus strand), FANCC (FA complementation group C; minus strand). Cytogenetic location: 9q22.32.
Variant type: single nucleotide variant.
Coding change: c.*213T>G on transcript NM_000136.3 (MANE Select); 213 bases downstream of the stop codon, T replaced by G.
Molecular consequence: 3 prime UTR variant.
Genome position (GRCh38, 1-based): chr9:95,101,494, A>C on the plus strand (T>G on the coding strand, the complement: FANCC is on the minus strand). VCF-style: chr9-95101494-A-C. GRCh37 (hg19) VCF-style: chr9-97863776-A-C.
Other names: c.*213T>G (NM_001243743.2).
Identifiers: ClinVar variation 913626 (VCV000913626.4), dbSNP rs184733418, ClinGen allele CA196536375.
Genomic context (GRCh38, chr9:95,101,494, plus strand): 5'-ATCAAGCTGACGGTCTGGCCGGGCGGGCACCAGGAGTACCGAAGGCTCACTTGAGTCATT[A>C]GTGAACATGTCTGACTGAGTCTGGGCTGAGGGACCTGGCTCTGCATTTTGTAAAATAGAT-3'